The following is an entry in ClinVar:

NM_000256.3(MYBPC3):c.3583G>C (p.Gly1195Arg)

Gene: MYBPC3 (myosin binding protein C3; minus strand). Cytogenetic location: 11p11.2.
Variant type: single nucleotide variant.
Coding change: c.3583G>C on transcript NM_000256.3 (MANE Select); coding-DNA position 3583, G replaced by C.
Protein change: p.Gly1195Arg; replaces glycine 1195 with arginine.
Molecular consequence: missense variant.
Genome position (GRCh38, 1-based): chr11:47,332,610, C>G on the plus strand (G>C on the coding strand, the complement: MYBPC3 is on the minus strand). VCF-style: chr11-47332610-C-G. GRCh37 (hg19) VCF-style: chr11-47354161-C-G.
Other names: short protein forms G1195R.
Identifiers: ClinVar variation 2763905 (VCV002763905.3), dbSNP rs2495737918, ClinGen allele CA380312466.

ClinVar aggregate classification (germline): Uncertain significance (1 of 4 stars; one submission).

Conditions:
Hypertrophic cardiomyopathy. Also called: HYPERTROPHIC MYOCARDIOPATHY. Identifiers: Orphanet 217569, MedGen C0007194, MeSH D002312, MONDO:0005045, HP:0001639.

Submission:

Labcorp Genetics (formerly Invitae), Labcorp
Classification: Uncertain significance for Hypertrophic cardiomyopathy. Last evaluated: 2023-09-27. Review status: criteria provided, single submitter. Criteria: Invitae Variant Classification Sherloc (09022015). Collection method: clinical testing. Allele origin: germline.
Comment: This sequence change replaces glycine, which is neutral and non-polar, with arginine, which is basic and polar, at codon 1195 of the MYBPC3 protein (p.Gly1195Arg). In summary, the available evidence is currently insufficient to determine the role of this variant in disease. Therefore, it has been classified as a Variant of Uncertain Significance. This variant disrupts the p.Gly1195 amino acid residue in MYBPC3. Other variant(s) that disrupt this residue have been observed in individuals with MYBPC3-related conditions (PMID: 33782553; Invitae), which suggests that this may be a clinically significant amino acid residue. An algorithm developed to predict the effect of missense changes on protein structure and function (PolyPhen-2) suggests that this variant is likely to be disruptive. This missense change has been observed in individual(s) with cardiomyopathy (Invitae). This variant is not present in population databases (gnomAD no frequency).

Literature cited by the submitters: PubMed 33782553.